The following is an entry in ClinVar:

ClinVar aggregate classification (germline): Uncertain significance. Review status: criteria provided, multiple submitters, no conflicts (2 of 4 stars). 4 submissions from 4 submitters: Uncertain significance (4). Last evaluated 2026-07-08.

Conditions:
Cardiovascular phenotype. Identifiers: MedGen CN230736.
Long QT syndrome (LQTS). Identifiers: MedGen C0023976, MeSH D008133, MONDO:0002442. Disease mechanism: loss of function. Inheritance: Various modes of inheritance.
Cardiac arrhythmia, ankyrin-B-related. Also called: ANKYRIN-B SYNDROME. Identifiers: Orphanet 101016, Orphanet 768, MedGen C1970119, MONDO:0010958, OMIM 600919.

Allele frequency attached by ClinVar (database versions not stated): gnomAD exomes 0.00001; ExAC 0.00002.
gnomAD v4.1: 23 of 1,614,134 alleles (0.0014%); highest among the groups gnomAD compares: East Asian, 0.0045%; no homozygotes.

Submissions (4):

GeneDx
Classification: Uncertain significance. Last evaluated: 2026-07-08. Review status: criteria provided, single submitter. Criteria: GeneDx Variant Classification Process June 2021. Collection method: clinical testing. Allele origin: germline.
Comment: In silico analysis supports that this missense variant has a deleterious effect on protein structure/function; Observed in a patient referred for LQTS genetic testing (PMID: 23631430); This variant is associated with the following publications: (PMID: 23631430)

Labcorp Genetics (formerly Invitae), Labcorp
Classification: Uncertain significance for Long QT syndrome. Last evaluated: 2026-01-15. Review status: criteria provided, single submitter. Criteria: Invitae Variant Classification Sherloc (09022015). Collection method: clinical testing. Allele origin: germline.
Comment: This sequence change replaces alanine, which is neutral and non-polar, with valine, which is neutral and non-polar, at codon 555 of the ANK2 protein (p.Ala555Val). This variant is present in population databases (rs766431760, gnomAD 0.006%). This variant has not been reported in the literature in individuals affected with ANK2-related conditions. ClinVar contains an entry for this variant (Variation ID: 406474). An algorithm developed to predict the effect of missense changes on protein structure and function (PolyPhen-2) suggests that this variant is likely to be tolerated. In summary, the available evidence is currently insufficient to determine the role of this variant in disease. Therefore, it has been classified as a Variant of Uncertain Significance.

Ambry Genetics
Classification: Uncertain significance for Cardiovascular phenotype. Last evaluated: 2023-05-03. Review status: criteria provided, single submitter. Criteria: Ambry Variant Classification Scheme 2023. Collection method: clinical testing. Allele origin: germline.
Comment: The p.A555V variant (also known as c.1664C>T), located in coding exon 15 of the ANK2 gene, results from a C to T substitution at nucleotide position 1664. The alanine at codon 555 is replaced by valine, an amino acid with similar properties. This amino acid position is not well conserved in available vertebrate species. In addition, this alteration is predicted to be tolerated by in silico analysis. Since supporting evidence is limited at this time, the clinical significance of this alteration remains unclear.

Fulgent Genetics
Classification: Uncertain significance for Cardiac arrhythmia, ankyrin-B-related. Last evaluated: 2021-11-20. Review status: criteria provided, single submitter. Criteria: ACMG Guidelines, 2015. Collection method: clinical testing. Allele origin: unknown.

NM_001148.6(ANK2):c.1664C>T (p.Ala555Val)

Gene: ANK2 (ankyrin 2; plus strand). Cytogenetic location: 4q26.
Variant type: single nucleotide variant.
Coding change: c.1664C>T on transcript NM_001148.6 (MANE Select); coding-DNA position 1664, C replaced by T.
Protein change: p.Ala555Val; replaces alanine 555 with valine.
Molecular consequence: missense variant.
Genome position (GRCh38, 1-based): chr4:113,274,630, C>T. VCF-style: chr4-113274630-C-T. GRCh37 (hg19) VCF-style: chr4-114195786-C-T.
Other names: c.1601C>T, p.Ala534Val (NM_001127493.3, NM_001354239.2, NM_001354243.2 and 14 more transcripts); c.1664C>T, p.Ala555Val (NM_001354225.2, NM_001354228.2, NM_001354232.2 and 8 more transcripts); c.1709C>T, p.Ala570Val (NM_001354230.2, NM_001354231.2, NM_001354237.2 and 5 more transcripts); c.1577C>T, p.Ala526Val (NM_001354249.2, NM_001354260.2, NM_001354264.2 and 13 more transcripts); c.1622C>T, p.Ala541Val (NM_001354261.2, NM_001386147.1, NM_001386160.1); c.1454C>T, p.Ala485Val (NM_001354269.3); c.1466C>T, p.Ala489Val (NM_001354273.2); c.1379C>T, p.Ala460Val (NM_001354277.2, NM_001386157.1, NM_001386158.1); and 4 more; short protein forms A555V, A534V, A460V, A489V, A541V, A570V, A485V, A526V.
Identifiers: ClinVar variation 406474 (VCV000406474.14), dbSNP rs766431760, ClinGen allele CA3050331.